The following is an entry in ClinVar:

NM_001267550.2(TTN):c.17227C>T (p.Arg5743Trp)

Genes: TTN (titin; minus strand), LOC126806431 (CDK7 strongly-dependent group 2 enhancer GRCh37_chr2:179595719-179596918; plus strand). Cytogenetic location: 2q31.2.
Variant type: single nucleotide variant.
Coding change: c.17227C>T on transcript NM_001267550.2 (MANE Select); coding-DNA position 17227, C replaced by T.
Protein change: p.Arg5743Trp; replaces arginine 5743 with tryptophan.
Molecular consequence: missense variant. On other transcripts: intron variant (3).
Genome position (GRCh38, 1-based): chr2:178,731,539, G>A on the plus strand (C>T on the coding strand, the complement: TTN is on the minus strand). VCF-style: chr2-178731539-G-A. GRCh37 (hg19) VCF-style: chr2-179596266-G-A.
Other names: c.16276C>T, p.Arg5426Trp (NM_001256850.1); c.13495C>T, p.Arg4499Trp (NM_133378.4); c.13282+6543C>T (NM_003319.4); c.13858+6543C>T (NM_133437.4); c.13657+6543C>T (NM_133432.3); short protein forms R4499W, R5743W, R5426W.
Identifiers: ClinVar variation 212461 (VCV000212461.18), dbSNP rs377193479, ClinGen allele CA208675.

ClinVar aggregate classification (germline): Conflicting classifications of pathogenicity. Review status: criteria provided, conflicting classifications (1 of 4 stars). 6 submissions from 6 submitters: Uncertain significance (4); Likely benign (2). Last evaluated 2025-08-13.

Conditions:
TTN-related disorder. Also called: TTN-related disorders; TTN-related condition; TTN-related disease.
Dilated cardiomyopathy 1G (CMD1G). Identifiers: Orphanet 154, MedGen C1858763, MONDO:0011400, OMIM 604145.
Autosomal recessive limb-girdle muscular dystrophy type 2J (LGMDR10). Also called: Limb-girdle muscular dystrophy, type 2J; MUSCULAR DYSTROPHY, LIMB-GIRDLE, AUTOSOMAL RECESSIVE 10. Identifiers: Orphanet 140922, MedGen C1837342, MONDO:0012127, OMIM 608807.

Allele frequency attached by ClinVar (database versions not stated): gnomAD 0.00001; TOPMed 0.00002; ExAC 0.00003; gnomAD exomes 0.00003 and 0.00004; ESP Exome Variant Server 0.00008; 1000 Genomes Project 30x 0.00016.
gnomAD v4.1: 49 of 1,612,556 alleles (0.003%); highest among the groups gnomAD compares: South Asian, 0.0066%; no homozygotes.

Submissions (6):

PreventionGenetics, part of Exact Sciences
Classification: Uncertain significance for TTN-related condition. Last evaluated: 2025-08-13. Review status: criteria provided, single submitter. Criteria: ACMG Guidelines, 2015. Collection method: clinical testing. Allele origin: germline.
Comment: The TTN c.17227C>T variant is predicted to result in the amino acid substitution p.Arg5743Trp. To our knowledge, this variant has not been reported in the literature. This variant is reported in 0.0098% of alleles in individuals of South Asian descent in gnomAD. At this time, the clinical significance of this variant is uncertain due to the absence of conclusive functional and genetic evidence.

Revvity Omics, Revvity
Classification: Uncertain significance. Last evaluated: 2023-03-03. Review status: criteria provided, single submitter. Criteria: ACMG Guidelines, 2015. Collection method: clinical testing. Allele origin: germline.

GeneDx
Classification: Likely benign. Last evaluated: 2019-05-22. Review status: criteria provided, single submitter. Criteria: GeneDx Variant Classification Process June 2021. Collection method: clinical testing. Allele origin: germline. Affected: yes.

Labcorp Genetics (formerly Invitae), Labcorp
Classification: Uncertain significance for Dilated cardiomyopathy 1G; Autosomal recessive limb-girdle muscular dystrophy type 2J. Last evaluated: 2016-11-02. Review status: criteria provided, single submitter. Criteria: Invitae Variant Classification Sherloc (09022015). Collection method: clinical testing. Allele origin: germline.

Eurofins Ntd Llc (ga)
Classification: Uncertain significance. Last evaluated: 2015-11-24. Review status: criteria provided, single submitter. Criteria: EGL Classification Definitions 2015. Collection method: clinical testing. Allele origin: germline. Observed: 1 variant allele, 1 heterozygote.

Genetic Services Laboratory, University of Chicago
Classification: Likely benign. Last evaluated: 2015-01-22. Review status: criteria provided, single submitter. Criteria: ACMG Guidelines, 2015. Collection method: clinical testing. Allele origin: germline.